The following is an entry in ClinVar:

ClinVar aggregate classification (germline): Uncertain significance. Review status: criteria provided, multiple submitters, no conflicts (2 of 4 stars). 2 submissions from 2 submitters: Uncertain significance (2). Last evaluated 2024-11-08.

Conditions:
Baller-Gerold syndrome (BGS). Also called: CRANIOSYNOSTOSIS WITH RADIAL DEFECTS. Identifiers: Orphanet 1225, MedGen C0265308, MONDO:0009039, OMIM 218600.

Allele frequency attached by ClinVar (database versions not stated): TOPMed 0.00002.
gnomAD v4.1: 13 of 1,612,162 alleles (0.00081%); highest among the groups gnomAD compares: Middle Eastern, 0.016%; no homozygotes.

Submissions (2):

Blueprint Genetics
Classification: Uncertain significance. Last evaluated: 2024-11-08. Review status: criteria provided, single submitter. Criteria: ACMG Guidelines, 2015. Collection method: clinical testing. Allele origin: germline.

Labcorp Genetics (formerly Invitae), Labcorp
Classification: Uncertain significance for Baller-Gerold syndrome. Last evaluated: 2024-10-16. Review status: criteria provided, single submitter. Criteria: Invitae Variant Classification Sherloc (09022015). Collection method: clinical testing. Allele origin: germline.
Comment: This sequence change replaces arginine, which is basic and polar, with proline, which is neutral and non-polar, at codon 618 of the RECQL4 protein (p.Arg618Pro). This variant is present in population databases (no rsID available, gnomAD 0.006%). This variant has not been reported in the literature in individuals affected with RECQL4-related conditions. ClinVar contains an entry for this variant (Variation ID: 641706). Invitae Evidence Modeling of protein sequence and biophysical properties (such as structural, functional, and spatial information, amino acid conservation, physicochemical variation, residue mobility, and thermodynamic stability) indicates that this missense variant is expected to disrupt RECQL4 protein function with a positive predictive value of 80%. In summary, the available evidence is currently insufficient to determine the role of this variant in disease. Therefore, it has been classified as a Variant of Uncertain Significance.

NM_004260.4(RECQL4):c.1853G>C (p.Arg618Pro)

Gene: RECQL4 (RecQ like helicase 4; minus strand). Cytogenetic location: 8q24.3.
Variant type: single nucleotide variant.
Coding change: c.1853G>C on transcript NM_004260.4 (MANE Select); coding-DNA position 1853, G replaced by C.
Protein change: p.Arg618Pro; replaces arginine 618 with proline.
Molecular consequence: missense variant.
Genome position (GRCh38, 1-based): chr8:144,514,214, C>G on the plus strand (G>C on the coding strand, the complement: RECQL4 is on the minus strand). VCF-style: chr8-144514214-C-G. GRCh37 (hg19) VCF-style: chr8-145739598-C-G.
Other names: short protein forms R618P.
Identifiers: ClinVar variation 641706 (VCV000641706.7), dbSNP rs776616498, ClinGen allele CA372680625.